The following is an entry in ClinVar:

ClinVar aggregate classification (germline): Pathogenic/Likely pathogenic. Review status: criteria provided, multiple submitters, no conflicts (2 of 4 stars). 5 submissions from 5 submitters: Pathogenic (2); Likely pathogenic (1). 2 of the submissions do not count toward it. Last evaluated 2021-07-10.

Conditions:
CDC14A-related disorder. Also called: CDC14A-related condition.
Autosomal recessive nonsyndromic hearing loss 32. Also called: HEARING IMPAIRMENT INFERTILE MALE SYNDROME; Deafness, autosomal recessive 32; Deafness, autosomal recessive 105. Identifiers: Orphanet 90636, MedGen C1837608, MONDO:0012091, OMIM 608653.
Ear malformation. Also called: CUP EAR; Abnormality of the ear. Identifiers: MedGen C0266589, MONDO:0007500, OMIM 128600, HP:0000598.

Allele frequency attached by ClinVar (database versions not stated): gnomAD exomes below 0.00001 and 0.00001; TOPMed 0.00001.
gnomAD v4.1: 8 of 1,594,228 alleles (0.0005%); highest among the groups gnomAD compares: Middle Eastern, 0.017%; no homozygotes.

Submissions (5):

Kariminejad - Najmabadi Pathology & Genetics Center
Classification: Likely pathogenic for Ear malformation. Last evaluated: 2021-07-10. Review status: criteria provided, single submitter. Criteria: ACMG Guidelines, 2015. Collection method: clinical testing. Allele origin: germline. Affected: yes.

SIB Swiss Institute of Bioinformatics
Classification: Pathogenic for Autosomal recessive nonsyndromic hearing loss 32. Last evaluated: 2018-11-05. Review status: criteria provided, single submitter. Criteria: ACMG Guidelines, 2015. Collection method: curation. Allele origin: unknown.
Comment: This variant is interpreted as a Pathogenic for Deafness, autosomal recessive 32, with or without immotile sperm. The following ACMG Tag(s) were applied: PM2 : Absent from controls (or at extremely low frequency if recessive) in Exome Sequencing Project, 1000 Genomes Project, or Exome Aggregation Consortium. PVS1-Strong : PVS1 downgraded in strength to Strong. PP1-Strong : Segregation data PP1 upgraded to strong (PMID:29293958).

Juno Genomics, Hangzhou Juno Genomics, Inc
Classification: Pathogenic for Autosomal recessive nonsyndromic hearing loss 32. Review status: criteria provided, single submitter. Criteria: ACMG Guidelines, 2015. Collection method: clinical testing. Allele origin: germline.
Comment: Absent from controls (or at extremely low frequency if recessive) in Genome Aggregation Database.;Null variant in a gene where loss of function (LOF) is a known mechanism of disease.;For recessive disorders, detected in trans with a pathogenic variant.;Co-segregation with disease in multiple affected family members.

PreventionGenetics, part of Exact Sciences
Classification: Pathogenic for CDC14A-related condition. Last evaluated: 2024-07-29. Review status: no assertion criteria provided. Collection method: clinical testing. Allele origin: germline. Not counted in ClinVar's aggregate classification.
Comment: The CDC14A c.1126C>T variant is predicted to result in premature protein termination (p.Arg376*). This variant has been reported in the homozygous state in multiple individuals with hearing loss (see for example, Delmaghani et al. 2016. PubMed ID: 27259055; Mohseni et al. 2020. PubMed ID: 32231217; Vallian Broojeni et al. 2023. PubMed ID: 37561809). This variant is reported in one out of ~231,500 of alleles in gnomAD. Nonsense variants in CDC14A are expected to be pathogenic. This variant is interpreted as pathogenic.

OMIM
Classification: Pathogenic for DEAFNESS, AUTOSOMAL RECESSIVE 32. Last evaluated: 2018-08-03. Review status: no assertion criteria provided. Collection method: literature only. Allele origin: germline. Not counted in ClinVar's aggregate classification.

Literature cited by the submitters: PubMed 29293958 (cited by SIB Swiss Institute of Bioinformatics and OMIM); PubMed 27259055 (cited by OMIM).

NM_003672.4(CDC14A):c.1126C>T (p.Arg376Ter)

Gene: CDC14A (cell division cycle 14A; plus strand). Cytogenetic location: 1p21.2.
Variant type: single nucleotide variant.
Coding change: c.1126C>T on transcript NM_003672.4 (MANE Select); coding-DNA position 1126, C replaced by T.
Protein change: p.Arg376Ter; replaces arginine 376 with a stop codon.
Molecular consequence: nonsense.
Genome position (GRCh38, 1-based): chr1:100,484,440, C>T. VCF-style: chr1-100484440-C-T. GRCh37 (hg19) VCF-style: chr1-100949996-C-T.
Other names: c.1126C>T, p.Arg376Ter (NM_001319210.2, NM_033312.3, NM_033313.3); c.952C>T, p.Arg318Ter (NM_001319211.2); c.247C>T, p.Arg83Ter (NM_001319212.2); short protein forms R376*, R318*, R83*.
Identifiers: ClinVar variation 235145 (VCV000235145.31), dbSNP rs876661408, ClinGen allele CA10581234.